The following is an entry in ClinVar:

ClinVar aggregate classification (germline): Uncertain significance (1 of 4 stars; one submission).

Conditions:
Developmental and epileptic encephalopathy, 67. Also called: EPILEPTIC ENCEPHALOPATHY, EARLY INFANTILE, 67. Identifiers: MedGen C4748341, MONDO:0029138, OMIM 618141.

Submission:

Dasa
Classification: Uncertain significance for Developmental and epileptic encephalopathy, 67. Last evaluated: 2024-12-26. Review status: criteria provided, single submitter. Criteria: DASA Assertion Criteria. Collection method: clinical testing. Allele origin: germline.
Comment: NM_015267.4(CUX2):c.2899G>A (p.Val967Met) is a missense variant that results in the substitution of valine with methionine. This variant is absent from population databases. Computational prediction algorithms are consistent with a benign effect. The currently available literature and clinical evidence are not sufficient to establish a definitive association between this variant and the reported condition. Therefore, this variant is classified as a variant of uncertain significance.

NM_015267.4(CUX2):c.2899G>A (p.Val967Met)

Gene: CUX2 (cut like homeobox 2; plus strand). Cytogenetic location: 12q24.12.
Variant type: single nucleotide variant.
Coding change: c.2899G>A on transcript NM_015267.4 (MANE Select); coding-DNA position 2899, G replaced by A.
Protein change: p.Val967Met; replaces valine 967 with methionine.
Molecular consequence: missense variant.
Genome position (GRCh38, 1-based): chr12:111,322,553, G>A. VCF-style: chr12-111322553-G-A. GRCh37 (hg19) VCF-style: chr12-111760357-G-A.
Other names: c.2713G>A, p.Val905Met (NM_001370598.1); short protein forms V905M, V967M.
Identifiers: ClinVar variation 4882729 (VCV004882729.2).
Genomic context (GRCh38, chr12:111,322,553, plus strand): 5'-AAGGGGCGGGAGCCCTTCATCCGCATGCAGCTGTGGCTCTCTGACCAGCTCGGCCAGGCA[G>A]TGGGCCAGCAGCCTGGTGCCTCCCAGGGTGAGTGCGGGCAGGAGCATCTCAGGGGGTGCT-3'
Protein context (NP_056082.2, residues 957-977): LWLSDQLGQA[Val967Met]GQQPGASQAS